The following is an entry in ClinVar:

ClinVar aggregate classification (germline): Uncertain significance (1 of 4 stars; one submission).

Conditions:
Ataxia-telangiectasia syndrome (AT). Also called: AT, COMPLEMENTATION GROUP C; Ataxia telangiectasia (A-T); LOUIS-BAR SYNDROME; Ataxia-telangiectasia, complementation group D; Ataxia-telangiectasia, complementation group E; ATAXIA-TELANGIECTASIA, COMPLEMENTATION GROUP A. Identifiers: Orphanet 100, MedGen C0004135, MONDO:0008840, OMIM 208900.

Submission:

Labcorp Genetics (formerly Invitae), Labcorp
Classification: Uncertain significance for Ataxia-telangiectasia syndrome. Last evaluated: 2022-02-21. Review status: criteria provided, single submitter. Criteria: Invitae Variant Classification Sherloc (09022015). Collection method: clinical testing. Allele origin: germline.
Comment: This sequence change replaces threonine, which is neutral and polar, with proline, which is neutral and non-polar, at codon 373 of the ATM protein (p.Thr373Pro). In summary, the available evidence is currently insufficient to determine the role of this variant in disease. Therefore, it has been classified as a Variant of Uncertain Significance. Experimental studies and prediction algorithms are not available or were not evaluated, and the functional significance of this variant is currently unknown. This variant has not been reported in the literature in individuals affected with ATM-related conditions. Information on the frequency of this variant in the gnomAD database is not available, as this variant may be reported differently in the database.

NM_000051.4(ATM):c.1116_1117delinsAC (p.Thr373Pro)

Gene: ATM (ATM serine/threonine kinase; plus strand). Cytogenetic location: 11q22.3.
Variant type: Indel.
Coding change: c.1116_1117delinsAC on transcript NM_000051.4 (MANE Select); coding-DNA positions 1116 to 1117, TA replaced by AC.
Protein change: p.Thr373Pro; replaces threonine 373 with proline.
Molecular consequence: missense variant.
Genome position (GRCh38, 1-based): chr11:108,248,983-108,248,984, TA replaced by AC. VCF-style: chr11-108248983-TA-AC. GRCh37 (hg19) VCF-style: chr11-108119710-TA-AC.
Other names: c.1116_1117delinsAC, p.Thr373Pro (NM_001351834.2); short protein forms T373P.
Identifiers: ClinVar variation 2100855 (VCV002100855.4), dbSNP rs2497208911, ClinGen allele CA2580083753.